The following is an entry in ClinVar:

ClinVar aggregate classification (germline): Uncertain significance (1 of 4 stars; one submission).

Conditions:
Neurodevelopmental disorder with hypotonia, stereotypic hand movements, and impaired language. Also called: Intellectual disability, autosomal dominant 20. Identifiers: Orphanet 228384, Orphanet 664410, MedGen C3150700, MONDO:0013266, OMIM 613443.

Submission:

Labcorp Genetics (formerly Invitae), Labcorp
Classification: Uncertain significance for Neurodevelopmental disorder with hypotonia, stereotypic hand movements, and impaired language. Last evaluated: 2025-09-14. Review status: criteria provided, single submitter. Criteria: Invitae Variant Classification Sherloc (09022015). Collection method: clinical testing. Allele origin: germline.
Comment: This sequence change replaces arginine, which is basic and polar, with leucine, which is neutral and non-polar, at codon 189 of the MEF2C protein (p.Arg189Leu). This variant is not present in population databases (gnomAD no frequency). This variant has not been reported in the literature in individuals affected with MEF2C-related conditions. Invitae Evidence Modeling of protein sequence and biophysical properties (such as structural, functional, and spatial information, amino acid conservation, physicochemical variation, residue mobility, and thermodynamic stability) has been performed for this missense variant. However, the output from this modeling did not meet the statistical confidence thresholds required to predict the impact of this variant on MEF2C protein function. In summary, the available evidence is currently insufficient to determine the role of this variant in disease. Therefore, it has been classified as a Variant of Uncertain Significance.

NM_002397.5(MEF2C):c.566G>T (p.Arg189Leu)

Gene: MEF2C (myocyte enhancer factor 2C; minus strand). Cytogenetic location: 5q14.3.
Variant type: single nucleotide variant.
Coding change: c.566G>T on transcript NM_002397.5 (MANE Select); coding-DNA position 566, G replaced by T.
Protein change: p.Arg189Leu; replaces arginine 189 with leucine.
Molecular consequence: missense variant.
Genome position (GRCh38, 1-based): chr5:88,751,880, C>A on the plus strand (G>T on the coding strand, the complement: MEF2C is on the minus strand). VCF-style: chr5-88751880-C-A. GRCh37 (hg19) VCF-style: chr5-88047697-C-A.
Other names: c.560G>T, p.Arg187Leu (NM_001131005.2, NM_001364343.2, NM_001364352.2); c.620G>T, p.Arg207Leu (NM_001193347.1, NM_001364338.2); c.422G>T, p.Arg141Leu (NM_001193348.1, NM_001193349.3, NM_001364332.2 and 3 more transcripts); c.566G>T, p.Arg189Leu (NM_001193350.2, NM_001308002.3, NM_001363581.2 and 18 more transcripts); c.188G>T, p.Arg63Leu (NM_001364353.2, NM_001364356.2); c.140G>T, p.Arg47Leu (NM_001364357.2); short protein forms R207L, R189L, R141L, R187L, R63L, R47L.
Identifiers: ClinVar variation 4709950 (VCV004709950.1).